The following is an entry in ClinVar:

ClinVar aggregate classification (germline): Uncertain significance (1 of 4 stars; one submission).

Allele frequency attached by ClinVar (database versions not stated): gnomAD 0.00001; TOPMed 0.00001; ExAC 0.00001.

Submission:

GeneDx
Classification: Uncertain significance. Last evaluated: 2019-12-27. Review status: criteria provided, single submitter. Criteria: GeneDx Variant Classification Process June 2021. Collection method: clinical testing. Allele origin: germline. Affected: yes.
Comment: Has not been previously published as pathogenic or benign to our knowledge; In-silico analysis, which includes splice predictors and evolutionary conservation, is inconclusive as to whether the variant alters gene splicing. In the absence of RNA/functional studies, the actual effect of this sequence change is unknown.

NM_133261.3(GIPC3):c.279G>A (p.Gly93=)

Gene: GIPC3 (GIPC PDZ domain containing family member 3; plus strand). Cytogenetic location: 19p13.3.
Variant type: single nucleotide variant.
Coding change: c.279G>A on transcript NM_133261.3 (MANE Select); coding-DNA position 279, G replaced by A.
Protein change: p.Gly93=; no amino-acid change (glycine 93 retained).
Molecular consequence: synonymous variant.
Genome position (GRCh38, 1-based): chr19:3,586,548, G>A. VCF-style: chr19-3586548-G-A. GRCh37 (hg19) VCF-style: chr19-3586546-G-A.
Identifiers: ClinVar variation 1311608 (VCV001311608.2), dbSNP rs755720741, ClinGen allele CA9080364.